The following is an entry in ClinVar:

NM_006790.3(MYOT):c.858T>C (p.Asn286=)

Genes: PKD2L2-DT (PKD2L2 divergent transcript; minus strand), MYOT (myotilin; plus strand). Cytogenetic location: 5q31.2.
Variant type: single nucleotide variant.
Coding change: c.858T>C on transcript NM_006790.3 (MANE Select); coding-DNA position 858, T replaced by C.
Protein change: p.Asn286=; no amino-acid change (asparagine 286 retained).
Molecular consequence: synonymous variant.
Genome position (GRCh38, 1-based): chr5:137,883,425, T>C. VCF-style: chr5-137883425-T-C. GRCh37 (hg19) VCF-style: chr5-137219114-T-C.
Other names: c.306T>C, p.Asn102= (NM_001135940.2); c.513T>C, p.Asn171= (NM_001300911.2).
Identifiers: ClinVar variation 389224 (VCV000389224.4), dbSNP rs915451656, ClinGen allele CA16604861.

ClinVar aggregate classification (germline): Likely benign. Review status: criteria provided, multiple submitters, no conflicts (2 of 4 stars). 2 submissions from 2 submitters: Likely benign (2). Last evaluated 2023-04-28.

Conditions:
Myofibrillar myopathy 3 (MFM3). Also called: Muscular dystrophy, proximal, type 1A; Autosomal dominant spheroid body myopathy. Identifiers: Orphanet 266, Orphanet 268129, MedGen C3714934, MONDO:0012215, OMIM 609200.

Allele frequency attached by ClinVar (database versions not stated): gnomAD exomes below 0.00001; gnomAD 0.00001; TOPMed 0.00001.
gnomAD v4.1: 7 of 1,614,026 alleles (0.00043%); highest among the groups gnomAD compares: Non-Finnish European, 0.00059%; no homozygotes.

Submissions (2):

Labcorp Genetics (formerly Invitae), Labcorp
Classification: Likely benign for Myofibrillar myopathy 3. Last evaluated: 2023-04-28. Review status: criteria provided, single submitter. Criteria: Invitae Variant Classification Sherloc (09022015). Collection method: clinical testing. Allele origin: germline.

GeneDx
Classification: Likely benign. Last evaluated: 2016-09-09. Review status: criteria provided, single submitter. Criteria: GeneDx Variant Classification (06012015). Collection method: clinical testing. Allele origin: germline. Affected: yes.
Comment: This variant is considered likely benign or benign based on one or more of the following criteria: it is a conservative change, it occurs at a poorly conserved position in the protein, it is predicted to be benign by multiple in silico algorithms, and/or has population frequency not consistent with disease.